The following is an entry in ClinVar:

NM_005685.4(GTF2IRD1):c.2730G>A (p.Pro910=)

Gene: GTF2IRD1 (GTF2I repeat domain containing 1; plus strand). Cytogenetic location: 7q11.23.
Variant type: single nucleotide variant.
Coding change: c.2730G>A on transcript NM_005685.4 (MANE Select); coding-DNA position 2730, G replaced by A.
Protein change: p.Pro910=; no amino-acid change (proline 910 retained).
Molecular consequence: synonymous variant.
Genome position (GRCh38, 1-based): chr7:74,601,144, G>A. VCF-style: chr7-74601144-G-A. GRCh37 (hg19) VCF-style: chr7-74015471-G-A.
Other names: c.2826G>A, p.Pro942= (NM_001199207.2); c.2730G>A, p.Pro910= (NM_001410888.1); c.2775G>A, p.Pro925= (NM_016328.3).
Identifiers: ClinVar variation 5038682 (VCV005038682.1).

ClinVar aggregate classification (germline): Likely benign (1 of 4 stars; one submission).

gnomAD v4.1: 63 of 1,609,112 alleles (0.0039%); highest among the groups gnomAD compares: East Asian, 0.027%; no homozygotes.

Submission:

CeGaT Center for Human Genetics Tuebingen
Classification: Likely benign. Last evaluated: 2026-07-01. Review status: criteria provided, single submitter. Criteria: CeGaT Center For Human Genetics Tuebingen Variant Classification Criteria Version 2. Collection method: clinical testing. Allele origin: germline. Affected: yes. Observed: 1 variant allele.
Comment: GTF2IRD1: BP4, BP7